The following is an entry in ClinVar:

NM_004944.4(DNASE1L3):c.801+4A>G

Gene: DNASE1L3 (deoxyribonuclease 1L3; minus strand). Cytogenetic location: 3p14.3.
Variant type: single nucleotide variant.
Coding change: c.801+4A>G on transcript NM_004944.4 (MANE Select); 4 bases into the intron after coding-DNA position 801, A replaced by G.
Molecular consequence: intron variant.
Genome position (GRCh38, 1-based): chr3:58,193,339, T>C on the plus strand (A>G on the coding strand, the complement: DNASE1L3 is on the minus strand). VCF-style: chr3-58193339-T-C. GRCh37 (hg19) VCF-style: chr3-58179066-T-C.
Other names: c.711+4A>G (NM_001256560.2).
Identifiers: ClinVar variation 2088259 (VCV002088259.4), dbSNP rs2097395289, ClinGen allele CA353337616.
Genomic context (GRCh38, chr3:58,193,339, plus strand): 5'-ATGTTGCCCAAGCTAACTCATCTTTCCAGGACAATGGCATAGAAAGACAAGATGGCAACC[T>C]TACCTCCTCTTCAGTCAGCTTGTAAGCTTTCTGGAAGTCAAAAACACTGTTTGACTTGGG-3'

ClinVar aggregate classification (germline): Uncertain significance (1 of 4 stars; one submission).

Allele frequency attached by ClinVar (database versions not stated): TOPMed below 0.00001.

Submission:

Labcorp Genetics (formerly Invitae), Labcorp
Classification: Uncertain significance. Last evaluated: 2022-08-09. Review status: criteria provided, single submitter. Criteria: Invitae Variant Classification Sherloc (09022015). Collection method: clinical testing. Allele origin: germline.
Comment: This variant has not been reported in the literature in individuals affected with DNASE1L3-related conditions. This variant is not present in population databases (gnomAD no frequency). This sequence change falls in intron 7 of the DNASE1L3 gene. It does not directly change the encoded amino acid sequence of the DNASE1L3 protein. It affects a nucleotide within the consensus splice site. Variants that disrupt the consensus splice site are a relatively common cause of aberrant splicing (PMID: 17576681, 9536098). Algorithms developed to predict the effect of sequence changes on RNA splicing suggest that this variant is not likely to affect RNA splicing. In summary, the available evidence is currently insufficient to determine the role of this variant in disease. Therefore, it has been classified as a Variant of Uncertain Significance.

Literature cited by the submitters: PubMed 17576681; PubMed 9536098.